The following is an entry in ClinVar:

ClinVar aggregate classification (germline): Uncertain significance. Review status: criteria provided, multiple submitters, no conflicts (2 of 4 stars). 2 submissions from 2 submitters: Uncertain significance (2). Last evaluated 2023-11-02.

Conditions:
Hereditary cancer-predisposing syndrome. Also called: Hereditary neoplastic syndrome; Neoplastic Syndromes, Hereditary; Tumor predisposition; Hereditary Cancer Syndrome. Identifiers: Orphanet 140162, MedGen C0027672, MeSH D009386, MONDO:0015356.

Submissions (2):

Labcorp Genetics (formerly Invitae), Labcorp
Classification: Uncertain significance. Last evaluated: 2023-11-02. Review status: criteria provided, single submitter. Criteria: Invitae Variant Classification Sherloc (09022015). Collection method: clinical testing. Allele origin: germline.
Comment: This sequence change replaces serine, which is neutral and polar, with alanine, which is neutral and non-polar, at codon 225 of the MSH3 protein (p.Ser225Ala). This variant is not present in population databases (gnomAD no frequency). This variant has not been reported in the literature in individuals affected with MSH3-related conditions. ClinVar contains an entry for this variant (Variation ID: 836325). Algorithms developed to predict the effect of missense changes on protein structure and function output the following: SIFT: "Not Available"; PolyPhen-2: "Benign"; Align-GVGD: "Not Available". The alanine amino acid residue is found in multiple mammalian species, which suggests that this missense change does not adversely affect protein function. In summary, the available evidence is currently insufficient to determine the role of this variant in disease. Therefore, it has been classified as a Variant of Uncertain Significance.

Ambry Genetics
Classification: Uncertain significance for Hereditary cancer-predisposing syndrome. Last evaluated: 2023-06-30. Review status: criteria provided, single submitter. Criteria: Ambry Variant Classification Scheme 2023. Collection method: clinical testing. Allele origin: germline.
Comment: The p.S225A variant (also known as c.673T>G), located in coding exon 4 of the MSH3 gene, results from a T to G substitution at nucleotide position 673. The serine at codon 225 is replaced by alanine, an amino acid with similar properties. This amino acid position is conserved. In addition, this alteration is predicted to be tolerated by in silico analysis. Since supporting evidence is limited at this time, the clinical significance of this alteration remains unclear.

NM_002439.5(MSH3):c.673T>G (p.Ser225Ala)

Gene: MSH3 (mutS homolog 3; plus strand). Cytogenetic location: 5q14.1.
Variant type: single nucleotide variant.
Coding change: c.673T>G on transcript NM_002439.5 (MANE Select); coding-DNA position 673, T replaced by G.
Protein change: p.Ser225Ala; replaces serine 225 with alanine.
Molecular consequence: missense variant.
Genome position (GRCh38, 1-based): chr5:80,670,190, T>G. VCF-style: chr5-80670190-T-G. GRCh37 (hg19) VCF-style: chr5-79966009-T-G.
Other names: c.673T>G (NM_002439.3); short protein forms S225A.
Identifiers: ClinVar variation 836325 (VCV000836325.9), dbSNP rs1749673003, ClinGen allele CA360266714.
Genomic context (GRCh38, chr5:80,670,190, plus strand): 5'-TCATCAAATACAAGTCATGAAAATTTACAGAAAACTGCTTCCAAATCAGCTAACAAACGG[T>G]CCAAAAGCATCTATACGCCGCTAGAATTACAATACATAGAAATGAAGCAGCAGCACAAAG-3'
Protein context (NP_002430.3, residues 215-235): KTASKSANKR[Ser225Ala]KSIYTPLELQ